The following is an entry in ClinVar:

NM_001166108.2(PALLD):c.2681G>C (p.Ser894Thr)

Genes: CBR4 (carbonyl reductase 4; minus strand), PALLD (palladin, cytoskeletal associated protein; plus strand). Cytogenetic location: 4q32.3.
Variant type: single nucleotide variant.
Coding change: c.2681G>C on transcript NM_001166108.2 (MANE Select); coding-DNA position 2681, G replaced by C.
Protein change: p.Ser894Thr; replaces serine 894 with threonine.
Molecular consequence: missense variant.
Genome position (GRCh38, 1-based): chr4:168,913,985, G>C. VCF-style: chr4-168913985-G-C. GRCh37 (hg19) VCF-style: chr4-169835136-G-C.
Other names: c.1484G>C, p.Ser495Thr (NM_001166109.2); c.1169G>C, p.Ser390Thr (NM_001166110.2); c.509G>C, p.Ser170Thr (NM_001367567.1, NM_001367569.1); c.560G>C, p.Ser187Thr (NM_001367568.1, NM_001367570.1); c.2630G>C, p.Ser877Thr (NM_016081.4); short protein forms S170T, S187T, S877T, S495T, S390T, S894T.
Identifiers: ClinVar variation 1794052 (VCV001794052.2), dbSNP rs1288791432, ClinGen allele CA358705186.

ClinVar aggregate classification (germline): Uncertain significance (1 of 4 stars; one submission).

Allele frequency attached by ClinVar (database versions not stated): gnomAD exomes below 0.00001.
gnomAD v4.1: 1 of 1,612,386 alleles (0.000062%); highest among the groups gnomAD compares: Middle Eastern, 0.017%; no homozygotes.

Submission:

Ambry Genetics
Classification: Uncertain significance. Last evaluated: 2022-07-05. Review status: criteria provided, single submitter. Criteria: Ambry Variant Classification Scheme 2023. Collection method: clinical testing. Allele origin: germline.
Comment: The p.S877T variant (also known as c.2630G>C), located in coding exon 14 of the PALLD gene, results from a G to C substitution at nucleotide position 2630. The serine at codon 877 is replaced by threonine, an amino acid with similar properties. This amino acid position is conserved. In addition, this alteration is predicted to be tolerated by in silico analysis. Since supporting evidence is limited at this time, the clinical significance of this alteration remains unclear.